The following is an entry in ClinVar:

NM_201384.3(PLEC):c.10216C>G (p.Arg3406Gly)

Gene: PLEC (plectin; minus strand). Cytogenetic location: 8q24.3.
Variant type: single nucleotide variant.
Coding change: c.10216C>G on transcript NM_201384.3 (MANE Select); coding-DNA position 10216, C replaced by G.
Protein change: p.Arg3406Gly; replaces arginine 3406 with glycine.
Molecular consequence: missense variant.
Genome position (GRCh38, 1-based): chr8:143,919,605, G>C on the plus strand (C>G on the coding strand, the complement: PLEC is on the minus strand). VCF-style: chr8-143919605-G-C. GRCh37 (hg19) VCF-style: chr8-144993773-G-C.
Other names: c.10297C>G, p.Arg3433Gly (NM_000445.5); c.10174C>G, p.Arg3392Gly (NM_201378.4); c.10150C>G, p.Arg3384Gly (NM_201379.3); c.10627C>G, p.Arg3543Gly (NM_201380.4); c.10120C>G, p.Arg3374Gly (NM_201381.3); c.10216C>G, p.Arg3406Gly (NM_201382.4); c.10228C>G, p.Arg3410Gly (NM_201383.3); short protein forms R3374G, R3410G, R3433G, R3384G, R3406G, R3392G, R3543G.
Identifiers: ClinVar variation 597800 (VCV000597800.24), dbSNP rs781882032, ClinGen allele CA372502809.

ClinVar aggregate classification (germline): Uncertain significance. Review status: criteria provided, multiple submitters, no conflicts (2 of 4 stars). 7 submissions from 7 submitters: Uncertain significance (7). Last evaluated 2025-12-21.

Conditions:
Epidermolysis bullosa simplex 5B, with muscular dystrophy (EBS5B). Also called: Epidermolysis bullosa simplex with muscular dystrophy; EPIDERMOLYSIS BULLOSA SIMPLEX AND LIMB-GIRDLE MUSCULAR DYSTROPHY. Identifiers: Orphanet 257, MedGen C2931072, MONDO:0009181, OMIM 226670.
Autosomal recessive limb-girdle muscular dystrophy type 2Q (LGMDR17). Also called: MUSCULAR DYSTROPHY, LIMB-GIRDLE, AUTOSOMAL RECESSIVE 17. Identifiers: Orphanet 254361, MedGen C3150989, MONDO:0013390, OMIM 613723.
Epidermolysis bullosa simplex 5C, with pyloric atresia (EBS5C). Also called: PLEC-Related Epidermolysis Bullosa with Pyloric Atresia; PLEC1-Related Epidermolysis Bullosa with Pyloric Atresia; Epidermolysis bullosa simplex with pyloric atresia. Identifiers: Orphanet 158684, MedGen C2677349, MONDO:0012807, OMIM 612138.
Epidermolysis bullosa simplex, Ogna type (EBS5A). Also called: Pidermolysis bullosa simplex 5A, Ogna type; EPIDERMOLYSIS BULLOSA SIMPLEX 5A, OGNA TYPE. Identifiers: Orphanet 79401, MedGen C0432317, MONDO:0007555, OMIM 131950.
Epidermolysis bullosa simplex with nail dystrophy (EBS5D). Identifiers: MedGen C4225309, MONDO:0014661, OMIM 616487.
PLEC-related disorder. Also called: PLEC-related condition; PLEC-related disorders.
Inborn genetic diseases. Identifiers: MedGen C0950123, MeSH D030342.

Allele frequency attached by ClinVar (database versions not stated): TOPMed 0.00002.
gnomAD v4.1: 24 of 1,590,604 alleles (0.0015%); highest among the groups gnomAD compares: Admixed American, 0.024%; no homozygotes.

Submissions (7):

Labcorp Genetics (formerly Invitae), Labcorp
Classification: Uncertain significance for Autosomal recessive limb-girdle muscular dystrophy type 2Q; Epidermolysis bullosa simplex, Ogna type; Epidermolysis bullosa simplex with nail dystrophy; Epidermolysis bullosa simplex 5C, with pyloric atresia; Epidermolysis bullosa simplex 5B, with muscular dystrophy. Last evaluated: 2025-12-21. Review status: criteria provided, single submitter. Criteria: Invitae Variant Classification Sherloc (09022015). Collection method: clinical testing. Allele origin: germline.
Comment: This sequence change replaces arginine, which is basic and polar, with glycine, which is neutral and non-polar, at codon 3433 of the PLEC protein (p.Arg3433Gly). This variant is present in population databases (no rsID available, gnomAD no frequency). This variant has not been reported in the literature in individuals affected with PLEC-related conditions. ClinVar contains an entry for this variant (Variation ID: 597800). Invitae Evidence Modeling of protein sequence and biophysical properties (such as structural, functional, and spatial information, amino acid conservation, physicochemical variation, residue mobility, and thermodynamic stability) indicates that this missense variant is not expected to disrupt PLEC protein function with a negative predictive value of 80%. In summary, the available evidence is currently insufficient to determine the role of this variant in disease. Therefore, it has been classified as a Variant of Uncertain Significance.

Ambry Genetics
Classification: Uncertain significance for Inborn genetic diseases. Last evaluated: 2025-06-25. Review status: criteria provided, single submitter. Criteria: Ambry Variant Classification Scheme 2023. Collection method: clinical testing. Allele origin: germline.

PreventionGenetics, part of Exact Sciences
Classification: Uncertain significance for PLEC-related condition. Last evaluated: 2025-02-17. Review status: criteria provided, single submitter. Criteria: ACMG Guidelines, 2015. Collection method: clinical testing. Allele origin: germline.
Comment: The PLEC c.10297C>G variant is predicted to result in the amino acid substitution p.Arg3433Gly. To our knowledge, this variant has not been reported in the literature. This variant is reported in 1 of ~225,000 alleles in gnomAD. At this time, the clinical significance of this variant is uncertain due to the absence of conclusive functional and genetic evidence.

GeneDx
Classification: Uncertain significance. Last evaluated: 2025-01-29. Review status: criteria provided, single submitter. Criteria: GeneDx Variant Classification Process June 2021. Collection method: clinical testing. Allele origin: germline. Affected: yes.
Comment: Not observed at significant frequency in large population cohorts (gnomAD); In silico analysis supports that this missense variant has a deleterious effect on protein structure/function; Missense variant in a gene in which most reported pathogenic variants are truncating/loss of function; Has not been previously published as pathogenic or benign to our knowledge

Revvity Omics, Revvity
Classification: Uncertain significance. Last evaluated: 2024-06-18. Review status: criteria provided, single submitter. Criteria: ACMG Guidelines, 2015. Collection method: clinical testing. Allele origin: germline.

Laboratorio de Genetica e Diagnostico Molecular, Hospital Israelita Albert Einstein
Classification: Uncertain significance. Last evaluated: 2021-04-14. Review status: criteria provided, single submitter. Criteria: ACMG Guidelines, 2015. Collection method: clinical testing. Allele origin: germline. Affected: yes.
Comment: ACMG classification criteria: BP1

Eurofins Ntd Llc (ga)
Classification: Uncertain significance. Last evaluated: 2018-06-28. Review status: criteria provided, single submitter. Criteria: EGL ClinVar v180209 classification definitions. Collection method: clinical testing. Allele origin: germline. Observed: 2 variant alleles, 2 heterozygotes.